The following is an entry in ClinVar:

ClinVar aggregate classification (germline): Uncertain significance (1 of 4 stars; one submission).

Allele frequency attached by ClinVar (database versions not stated): TOPMed below 0.00001; gnomAD exomes 0.00001.
gnomAD v4.1: 13 of 1,536,830 alleles (0.00085%); highest among the groups gnomAD compares: Non-Finnish European, 0.0011%; no homozygotes.

Submission:

Labcorp Genetics (formerly Invitae), Labcorp
Classification: Uncertain significance. Last evaluated: 2021-08-31. Review status: criteria provided, single submitter. Criteria: Invitae Variant Classification Sherloc (09022015). Collection method: clinical testing. Allele origin: germline.
Comment: This sequence change replaces leucine with valine at codon 63 of the TTPA protein (p.Leu63Val). The leucine residue is moderately conserved and there is a small physicochemical difference between leucine and valine. The frequency data for this variant in the population databases is considered unreliable, as metrics indicate insufficient coverage at this position in the ExAC database. This variant has not been reported in the literature in individuals affected with TTPA-related conditions. Algorithms developed to predict the effect of missense changes on protein structure and function are either unavailable or do not agree on the potential impact of this missense change (SIFT: "Deleterious"; PolyPhen-2: "Benign"; Align-GVGD: "Class C0"). In summary, the available evidence is currently insufficient to determine the role of this variant in disease. Therefore, it has been classified as a Variant of Uncertain Significance.

NM_000370.3(TTPA):c.187C>G (p.Leu63Val)

Gene: TTPA (alpha tocopherol transfer protein; minus strand). Cytogenetic location: 8q12.3.
Variant type: single nucleotide variant.
Coding change: c.187C>G on transcript NM_000370.3 (MANE Select); coding-DNA position 187, C replaced by G.
Protein change: p.Leu63Val; replaces leucine 63 with valine.
Molecular consequence: missense variant.
Genome position (GRCh38, 1-based): chr8:63,085,835, G>C on the plus strand (C>G on the coding strand, the complement: TTPA is on the minus strand). VCF-style: chr8-63085835-G-C. GRCh37 (hg19) VCF-style: chr8-63998394-G-C.
Other names: short protein forms L63V.
Identifiers: ClinVar variation 1346330 (VCV001346330.5), dbSNP rs1805741977, ClinGen allele CA371403379.